The following is an entry in ClinVar:

NM_001410764.1(FANCB):c.2654G>A (p.Trp885Ter)

Gene: FANCB (FA complementation group B; minus strand). Cytogenetic location: Xp22.2.
Variant type: single nucleotide variant.
Coding change: c.2654G>A on transcript NM_001410764.1; coding-DNA position 2654, G replaced by A.
Protein change: p.Trp885Ter; replaces tryptophan 885 with a stop codon.
Molecular consequence: nonsense.
Genome position (GRCh38, 1-based): chrX:14,796,872, C>T on the plus strand (G>A on the coding strand, the complement: FANCB is on the minus strand). VCF-style: chrX-14796872-C-T. GRCh37 (hg19) VCF-style: chrX-14814994-C-T.
Other names: short protein forms W885*.
Identifiers: ClinVar variation 2660040 (VCV002660040.22), dbSNP rs1417748431, ClinGen allele CA640713152.

ClinVar aggregate classification (germline): Uncertain significance (1 of 4 stars; one submission).

Allele frequency attached by ClinVar (database versions not stated): gnomAD 0.00003; TOPMed 0.00003.

Submission:

CeGaT Center for Human Genetics Tuebingen
Classification: Uncertain significance. Last evaluated: 2023-03-01. Review status: criteria provided, single submitter. Criteria: CeGaT Center For Human Genetics Tuebingen Variant Classification Criteria Version 2. Collection method: clinical testing. Allele origin: germline. Affected: yes. Observed: 1 variant allele.
Comment: FANCB: PVS1:Moderate